The following is an entry in ClinVar:

NM_001829.4(CLCN3):c.329A>G (p.Lys110Arg)

Gene: CLCN3 (chloride voltage-gated channel 3; plus strand). Cytogenetic location: 4q33.
Variant type: single nucleotide variant.
Coding change: c.329A>G on transcript NM_001829.4 (MANE Select); coding-DNA position 329, A replaced by G.
Protein change: p.Lys110Arg; replaces lysine 110 with arginine.
Molecular consequence: missense variant.
Genome position (GRCh38, 1-based): chr4:169,687,668, A>G. VCF-style: chr4-169687668-A-G. GRCh37 (hg19) VCF-style: chr4-170608819-A-G.
Other names: c.329A>G, p.Lys110Arg (NM_001243372.2, NM_173872.4); c.248A>G, p.Lys83Arg (NM_001243374.2); short protein forms K110R, K83R.
Identifiers: ClinVar variation 4537816 (VCV004537816.1).

ClinVar aggregate classification (germline): Uncertain significance (1 of 4 stars; one submission).

gnomAD v4.1: 1 of 1,608,680 alleles (0.000062%); highest among the groups gnomAD compares: Non-Finnish European, 0.000085%; no homozygotes.

Submission:

GeneDx
Classification: Uncertain significance. Last evaluated: 2025-06-15. Review status: criteria provided, single submitter. Criteria: GeneDx Variant Classification Process June 2021. Collection method: clinical testing. Allele origin: germline. Affected: yes.
Comment: Not observed at significant frequency in large population cohorts (gnomAD); In silico analysis suggests that this missense variant does not alter protein structure/function; Has not been previously published as pathogenic or benign to our knowledge